The following is an entry in ClinVar:

ClinVar aggregate classification (germline): Uncertain significance (1 of 4 stars; one submission).

Submission:

Women's Health and Genetics/Laboratory Corporation of America, LabCorp
Classification: Uncertain significance. Last evaluated: 2026-04-08. Review status: criteria provided, single submitter. Criteria: LabCorp Variant Classification Summary - May 2015. Collection method: clinical testing. Allele origin: germline.
Comment: Variant summary: AMOTL1 c.1826T>C (p.Val609Ala) results in a non-conservative amino acid change in the encoded protein sequence. Algorithms developed to predict the effect of missense changes on protein structure and function are either unavailable or do not agree on the potential impact of this missense change. The frequency data for this variant in gnomAD is considered unreliable, as metrics indicate poor data quality at this position. To our knowledge, no occurrence of c.1826T>C in individuals affected with AMOTL1-related conditions and no experimental evidence demonstrating its impact on protein function have been reported. No submitters have cited clinical-significance assessments for this variant to ClinVar. Based on the evidence outlined above, the variant was classified as uncertain significance.

NM_130847.3(AMOTL1):c.1826T>C (p.Val609Ala)

Gene: AMOTL1 (angiomotin like 1; plus strand). Cytogenetic location: 11q21.
Variant type: single nucleotide variant.
Coding change: c.1826T>C on transcript NM_130847.3 (MANE Select); coding-DNA position 1826, T replaced by C.
Protein change: p.Val609Ala; replaces valine 609 with alanine.
Molecular consequence: missense variant.
Genome position (GRCh38, 1-based): chr11:94,853,964, T>C. VCF-style: chr11-94853964-T-C. GRCh37 (hg19) VCF-style: chr11-94587129-T-C.
Other names: c.1676T>C, p.Val559Ala (NM_001301007.2); short protein forms V559A, V609A.
Identifiers: ClinVar variation 4848733 (VCV004848733.1).